The following is an entry in ClinVar:

NM_013352.4(DSE):c.1358C>T (p.Pro453Leu)

Gene: DSE (dermatan sulfate epimerase; plus strand). Cytogenetic location: 6q22.1.
Variant type: single nucleotide variant.
Coding change: c.1358C>T on transcript NM_013352.4 (MANE Select); coding-DNA position 1358, C replaced by T.
Protein change: p.Pro453Leu; replaces proline 453 with leucine.
Molecular consequence: missense variant. On other transcripts: 3 prime UTR variant (2), non-coding transcript variant (1).
Genome position (GRCh38, 1-based): chr6:116,435,826, C>T. VCF-style: chr6-116435826-C-T. GRCh37 (hg19) VCF-style: chr6-116756989-C-T.
Other names: c.1358C>T, p.Pro453Leu (NM_001080976.3, NM_001322937.2, NM_001322938.2); c.1415C>T, p.Pro472Leu (NM_001322939.2); c.797C>T, p.Pro266Leu (NM_001322940.2, NM_001322941.2); c.*223C>T (NM_001322943.2, NM_001322944.2); c.359C>T, p.Pro120Leu (NM_001374520.1); c.323C>T, p.Pro108Leu (NM_001374521.1); short protein forms P108L, P120L, P266L, P453L, P472L.
Identifiers: ClinVar variation 4848824 (VCV004848824.1).
Genomic context (GRCh38, chr6:116,435,826, plus strand): 5'-GAAACAAATACAAAGATTGGATCAAAGGATGGAGAAATTTTAATGCAGGGCATGAACATC[C>T]TGATCAAAACTCATTTACTTTTGCTCCCAATGGTGTGCCTTTCATTACTGAGGCTCTGTA-3'
Protein context (NP_037484.1, residues 443-463): WRNFNAGHEH[Pro453Leu]DQNSFTFAPN

ClinVar aggregate classification (germline): Uncertain significance (1 of 4 stars; one submission).

Submission:

Women's Health and Genetics/Laboratory Corporation of America, LabCorp
Classification: Uncertain significance. Last evaluated: 2026-04-07. Review status: criteria provided, single submitter. Criteria: LabCorp Variant Classification Summary - May 2015. Collection method: clinical testing. Allele origin: germline.
Comment: Variant summary: DSE c.1358C>T (p.Pro453Leu) results in a non-conservative amino acid change in the encoded protein sequence. Algorithms developed to predict the effect of missense changes on protein structure and function are either unavailable or do not agree on the potential impact of this missense change. The variant was absent in 251304 control chromosomes. The available data on variant occurrences in the general population are insufficient to allow any conclusion about variant significance. To our knowledge, no occurrence of c.1358C>T in individuals affected with DSE-related conditions and no experimental evidence demonstrating its impact on protein function have been reported. No submitters have cited clinical-significance assessments for this variant to ClinVar. Based on the evidence outlined above, the variant was classified as uncertain significance.